The following is an entry in ClinVar:

NM_000222.3(KIT):c.986A>C (p.Glu329Ala)

Gene: KIT (KIT proto-oncogene, receptor tyrosine kinase; plus strand). Cytogenetic location: 4q12.
Variant type: single nucleotide variant.
Coding change: c.986A>C on transcript NM_000222.3 (MANE Select); coding-DNA position 986, A replaced by C.
Protein change: p.Glu329Ala; replaces glutamic acid 329 with alanine.
Molecular consequence: missense variant.
Genome position (GRCh38, 1-based): chr4:54,707,158, A>C. VCF-style: chr4-54707158-A-C. GRCh37 (hg19) VCF-style: chr4-55573324-A-C.
Other names: c.986A>C, p.Glu329Ala (NM_001093772.2, NM_001385285.1, NM_001385286.1); c.989A>C, p.Glu330Ala (NM_001385284.1, NM_001385288.1, NM_001385290.1 and 1 more transcripts); short protein forms E329A, E330A.
Identifiers: ClinVar variation 1768438 (VCV001768438.2), dbSNP rs2475478650, ClinGen allele CA356900893.

ClinVar aggregate classification (germline): Uncertain significance (1 of 4 stars; one submission).

Conditions:
Hereditary cancer-predisposing syndrome. Also called: Hereditary Cancer Syndrome; Hereditary neoplastic syndrome; Neoplastic Syndromes, Hereditary; Tumor predisposition. Identifiers: Orphanet 140162, MedGen C0027672, MeSH D009386, MONDO:0015356.

Submission:

Ambry Genetics
Classification: Uncertain significance for Hereditary cancer-predisposing syndrome. Last evaluated: 2021-12-13. Review status: criteria provided, single submitter. Criteria: Ambry Variant Classification Scheme 2023. Collection method: clinical testing. Allele origin: germline.
Comment: The p.E329A variant (also known as c.986A>C), located in coding exon 6 of the KIT gene, results from an A to C substitution at nucleotide position 986. The glutamic acid at codon 329 is replaced by alanine, an amino acid with dissimilar properties. This amino acid position is conserved. In addition, this alteration is predicted to be tolerated by in silico analysis. Since supporting evidence is limited at this time, the clinical significance of this alteration remains unclear.